The following is an entry in ClinVar:

ClinVar aggregate classification (germline): Pathogenic (1 of 4 stars; one submission).

Submission:

Labcorp Genetics (formerly Invitae), Labcorp
Classification: Pathogenic. Last evaluated: 2023-07-11. Review status: criteria provided, single submitter. Criteria: Invitae Variant Classification Sherloc (09022015). Collection method: clinical testing. Allele origin: germline.
Comment: This sequence change creates a premature translational stop signal (p.Met361Trpfs*21) in the ITGB3 gene. It is expected to result in an absent or disrupted protein product. Loss-of-function variants in ITGB3 are known to be pathogenic (PMID: 21917754). This variant is not present in population databases (gnomAD no frequency). This variant has not been reported in the literature in individuals affected with ITGB3-related conditions. For these reasons, this variant has been classified as Pathogenic.

Literature cited by the submitters: PubMed 21917754.

NM_000212.3(ITGB3):c.1080del (p.Met361fs)

Gene: ITGB3 (integrin subunit beta 3; plus strand). Cytogenetic location: 17q21.32.
Variant type: Deletion.
Coding change: c.1080del on transcript NM_000212.3 (MANE Select); coding-DNA position 1080, one base deleted (C; older notation c.1080delC).
Protein change: p.Met361fs; shifts the reading frame from methionine 361.
Molecular consequence: frameshift variant.
Genome position (GRCh38, 1-based): chr17:47,290,229, C deleted; the last of 2 consecutive C bases (chr17:47,290,228-47,290,229); deleting either gives the same sequence. VCF-style (leftmost placement, unchanged base first): chr17-47290227-TC-T. GRCh37 (hg19) VCF-style: chr17-45367593-TC-T.
Other names: short protein forms M361fs.
Identifiers: ClinVar variation 2741582 (VCV002741582.3), dbSNP rs2547618020, ClinGen allele CA2697560136.